The following is an entry in ClinVar:

NM_005422.4(TECTA):c.4205G>C (p.Cys1402Ser)

Genes: TECTA (tectorin alpha; plus strand), TBCEL-TECTA (TBCEL-TECTA readthrough; plus strand). Cytogenetic location: 11q23.3.
Variant type: single nucleotide variant.
Coding change: c.4205G>C on transcript NM_005422.4 (MANE Select); coding-DNA position 4205, G replaced by C.
Protein change: p.Cys1402Ser; replaces cysteine 1402 with serine.
Molecular consequence: missense variant.
Genome position (GRCh38, 1-based): chr11:121,152,980, G>C. VCF-style: chr11-121152980-G-C. GRCh37 (hg19) VCF-style: chr11-121023689-G-C.
Other names: c.5162G>C, p.Cys1721Ser (NM_001378761.1); short protein forms C1402S, C1721S.
Identifiers: ClinVar variation 303023 (VCV000303023.12), dbSNP rs774697277, ClinGen allele CA6327390.

ClinVar aggregate classification (germline): Uncertain significance. Review status: criteria provided, multiple submitters, no conflicts (2 of 4 stars). 4 submissions from 3 submitters: Uncertain significance (4). Last evaluated 2023-06-15.

Conditions:
Meniere disease. Also called: Ménière's disease. Identifiers: MedGen C0025281, MONDO:0007972, OMIM 156000.
Autosomal dominant nonsyndromic hearing loss 12. Also called: DEAFNESS, AUTOSOMAL DOMINANT 8. Identifiers: Orphanet 90635, MedGen C1832187, MONDO:0011102, OMIM 601543.
Autosomal recessive nonsyndromic hearing loss 21. Identifiers: Orphanet 90636, MedGen C1863655, MONDO:0011351, OMIM 603629.

Allele frequency attached by ClinVar (database versions not stated): ExAC 0.00003; gnomAD 0.00003; TOPMed 0.00003; gnomAD exomes 0.00004.
gnomAD v4.1: 20 of 1,614,170 alleles (0.0012%); highest among the groups gnomAD compares: Admixed American, 0.02%; no homozygotes.

Submissions (4):

Labcorp Genetics (formerly Invitae), Labcorp
Classification: Uncertain significance. Last evaluated: 2023-06-15. Review status: criteria provided, single submitter. Criteria: Invitae Variant Classification Sherloc (09022015). Collection method: clinical testing. Allele origin: germline.
Comment: This sequence change replaces cysteine, which is neutral and slightly polar, with serine, which is neutral and polar, at codon 1402 of the TECTA protein (p.Cys1402Ser). This variant is present in population databases (rs774697277, gnomAD 0.03%). This variant has not been reported in the literature in individuals affected with TECTA-related conditions. ClinVar contains an entry for this variant (Variation ID: 303023). Advanced modeling of protein sequence and biophysical properties (such as structural, functional, and spatial information, amino acid conservation, physicochemical variation, residue mobility, and thermodynamic stability) performed at Invitae indicates that this missense variant is expected to disrupt TECTA protein function. In summary, the available evidence is currently insufficient to determine the role of this variant in disease. Therefore, it has been classified as a Variant of Uncertain Significance.

Otology & Neurotology- Genomics of vestibular disorders (CTS-495), Jose Antonio López Escámez, Centro Pfizer - Universidad de Granada - Junta de Andalucía de Genómica e Investigación Oncológica (GENYO)
Classification: Uncertain significance for Meniere disease. Last evaluated: 2022-01-25. Review status: criteria provided, single submitter. Criteria: ACMG Guidelines, 2015. Collection method: case-control. Allele origin: germline. Affected: yes. Observed: 2 heterozygotes.

Illumina Laboratory Services, Illumina
Classification: Uncertain significance for Autosomal dominant nonsyndromic hearing loss 12. Last evaluated: 2018-01-13. Review status: criteria provided, single submitter. Criteria: ICSL Variant Classification Criteria 13 December 2019. Collection method: clinical testing. Allele origin: germline.

Illumina Laboratory Services, Illumina
Classification: Uncertain significance for Autosomal recessive nonsyndromic hearing loss 21. Last evaluated: 2018-01-13. Review status: criteria provided, single submitter. Criteria: ICSL Variant Classification Criteria 13 December 2019. Collection method: clinical testing. Allele origin: germline.